The following is an entry in ClinVar:

ClinVar aggregate classification (germline): Uncertain significance (1 of 4 stars; one submission).

Submission:

Labcorp Genetics (formerly Invitae), Labcorp
Classification: Uncertain significance. Last evaluated: 2022-08-23. Review status: criteria provided, single submitter. Criteria: Invitae Variant Classification Sherloc (09022015). Collection method: clinical testing. Allele origin: germline.
Comment: This sequence change replaces arginine, which is basic and polar, with leucine, which is neutral and non-polar, at codon 160 of the UNC119 protein (p.Arg160Leu). In summary, the available evidence is currently insufficient to determine the role of this variant in disease. Therefore, it has been classified as a Variant of Uncertain Significance. Algorithms developed to predict the effect of missense changes on protein structure and function are either unavailable or do not agree on the potential impact of this missense change (SIFT: "Not Available"; PolyPhen-2: "Probably Damaging"; Align-GVGD: "Not Available"). This variant has not been reported in the literature in individuals affected with UNC119-related conditions. This variant is not present in population databases (gnomAD no frequency).

NM_005148.4(UNC119):c.479G>T (p.Arg160Leu)

Gene: UNC119 (unc-119 lipid binding chaperone; minus strand). Cytogenetic location: 17q11.2.
Variant type: single nucleotide variant.
Coding change: c.479G>T on transcript NM_005148.4 (MANE Select); coding-DNA position 479, G replaced by T.
Protein change: p.Arg160Leu; replaces arginine 160 with leucine.
Molecular consequence: missense variant.
Genome position (GRCh38, 1-based): chr17:28,547,808, C>A on the plus strand (G>T on the coding strand, the complement: UNC119 is on the minus strand). VCF-style: chr17-28547808-C-A. GRCh37 (hg19) VCF-style: chr17-26874826-C-A.
Other names: c.194G>T, p.Arg65Leu (NM_001330166.2); c.479G>T, p.Arg160Leu (NM_054035.2); short protein forms R160L, R65L.
Identifiers: ClinVar variation 1717877 (VCV001717877.5), dbSNP rs986396601, ClinGen allele CA398330833.